The following is an entry in ClinVar:

NM_004006.3(DMD):c.3376A>G (p.Arg1126Gly)

Gene: DMD (dystrophin; minus strand). Cytogenetic location: Xp21.1.
Variant type: single nucleotide variant.
Coding change: c.3376A>G on transcript NM_004006.3 (MANE Select); coding-DNA position 3376, A replaced by G.
Protein change: p.Arg1126Gly; replaces arginine 1126 with glycine.
Molecular consequence: missense variant.
Genome position (GRCh38, 1-based): chrX:32,463,495, T>C on the plus strand (A>G on the coding strand, the complement: DMD is on the minus strand). VCF-style: chrX-32463495-T-C. GRCh37 (hg19) VCF-style: chrX-32481612-T-C.
Other names: c.3352A>G, p.Arg1118Gly (NM_000109.4); c.3364A>G, p.Arg1122Gly (NM_004009.3); c.3007A>G, p.Arg1003Gly (NM_004010.3); short protein forms R1118G, R1003G, R1122G, R1126G.
Identifiers: ClinVar variation 3729841 (VCV003729841.2).

ClinVar aggregate classification (germline): Uncertain significance (1 of 4 stars; one submission).

Conditions:
Duchenne muscular dystrophy (DMD). Also called: Duchenne Muscular Dystrophy (DMD); MUSCULAR DYSTROPHY, PSEUDOHYPERTROPHIC PROGRESSIVE, DUCHENNE TYPE. Identifiers: Orphanet 98896, MedGen C0013264, MONDO:0010679, OMIM 310200.

Submission:

Labcorp Genetics (formerly Invitae), Labcorp
Classification: Uncertain significance for Duchenne muscular dystrophy. Last evaluated: 2024-06-04. Review status: criteria provided, single submitter. Criteria: Invitae Variant Classification Sherloc (09022015). Collection method: clinical testing. Allele origin: germline.
Comment: This sequence change replaces arginine, which is basic and polar, with glycine, which is neutral and non-polar, at codon 1126 of the DMD protein (p.Arg1126Gly). This variant is not present in population databases (gnomAD no frequency). This variant has not been reported in the literature in individuals affected with DMD-related conditions. Advanced modeling of protein sequence and biophysical properties (such as structural, functional, and spatial information, amino acid conservation, physicochemical variation, residue mobility, and thermodynamic stability) performed at Invitae indicates that this missense variant is not expected to disrupt DMD protein function with a negative predictive value of 95%. In summary, the available evidence is currently insufficient to determine the role of this variant in disease. Therefore, it has been classified as a Variant of Uncertain Significance.